The following is an entry in ClinVar:

NM_000350.3(ABCA4):c.442+6C>A

Gene: ABCA4 (ATP binding cassette subfamily A member 4; minus strand). Cytogenetic location: 1p22.1.
Variant type: single nucleotide variant.
Coding change: c.442+6C>A on transcript NM_000350.3 (MANE Select); 6 bases into the intron after coding-DNA position 442, C replaced by A.
Molecular consequence: intron variant.
Genome position (GRCh38, 1-based): chr1:94,108,571, G>T on the plus strand (C>A on the coding strand, the complement: ABCA4 is on the minus strand). VCF-style: chr1-94108571-G-T. GRCh37 (hg19) VCF-style: chr1-94574127-G-T.
Identifiers: ClinVar variation 940802 (VCV000940802.9), dbSNP rs1287680518, ClinGen allele CA1139656219.

ClinVar aggregate classification (germline): Uncertain significance (1 of 4 stars; one submission).

gnomAD v4.1: 2 of 1,613,378 alleles (0.00012%); highest among the groups gnomAD compares: Non-Finnish European, 0.00017%; no homozygotes.

Submission:

Labcorp Genetics (formerly Invitae), Labcorp
Classification: Uncertain significance. Last evaluated: 2019-09-11. Review status: criteria provided, single submitter. Criteria: Invitae Variant Classification Sherloc (09022015). Collection method: clinical testing. Allele origin: germline.
Comment: This sequence change falls in intron 4 of the ABCA4 gene. It does not directly change the encoded amino acid sequence of the ABCA4 protein, but it affects a nucleotide within the consensus splice site of the intron. This variant is not present in population databases (ExAC no frequency). This variant has not been reported in the literature in individuals with ABCA4-related conditions. Nucleotide substitutions within the consensus splice site are a relatively common cause of aberrant splicing (PMID: 17576681, 9536098). Algorithms developed to predict the effect of sequence changes on RNA splicing suggest that this variant is not likely to affect RNA splicing, but this prediction has not been confirmed by published transcriptional studies. In summary, the available evidence is currently insufficient to determine the role of this variant in disease. Therefore, it has been classified as a Variant of Uncertain Significance.

Literature cited by the submitters: PubMed 17576681; PubMed 9536098.